The following is an entry in ClinVar:

ClinVar aggregate classification (germline): Uncertain significance (1 of 4 stars; one submission).

gnomAD v4.1: 5 of 1,613,060 alleles (0.00031%); highest among the groups gnomAD compares: East Asian, 0.0022%; no homozygotes.

Submission:

Labcorp Genetics (formerly Invitae), Labcorp
Classification: Uncertain significance. Last evaluated: 2024-07-03. Review status: criteria provided, single submitter. Criteria: Invitae Variant Classification Sherloc (09022015). Collection method: clinical testing. Allele origin: germline.
Comment: This sequence change affects codon 81 of the MOCS3 mRNA. It is a 'silent' change, meaning that it does not change the encoded amino acid sequence of the MOCS3 protein. This variant is not present in population databases (gnomAD no frequency). This variant has not been reported in the literature in individuals affected with MOCS3-related conditions. In summary, the available evidence is currently insufficient to determine the role of this variant in disease. Therefore, it has been classified as a Variant of Uncertain Significance.

NM_014484.5(MOCS3):c.243G>A (p.Gly81=)

Gene: MOCS3 (molybdenum cofactor synthesis 3; plus strand). Cytogenetic location: 20q13.13.
Variant type: single nucleotide variant.
Coding change: c.243G>A on transcript NM_014484.5 (MANE Select); coding-DNA position 243, G replaced by A.
Protein change: p.Gly81=; no amino-acid change (glycine 81 retained).
Molecular consequence: synonymous variant.
Genome position (GRCh38, 1-based): chr20:50,959,085, G>A. VCF-style: chr20-50959085-G-A. GRCh37 (hg19) VCF-style: chr20-49575622-G-A.
Identifiers: ClinVar variation 3627648 (VCV003627648.2).
Genomic context (GRCh38, chr20:50,959,085, plus strand): 5'-GCGCTATAGCCGGCAGCTAGTGCTGCCCGAGCTGGGCGTGCACGGACAGCTGCGCCTGGG[G>A]ACCGCGTGCGTGCTAATCGTGGGCTGCGGTGGGCTCGGCTGTCCACTAGCGCAGTACTTG-3'
Protein context (NP_055299.1, residues 71-91): ELGVHGQLRL[Gly81=]TACVLIVGCG